The following is an entry in ClinVar:

ClinVar aggregate classification (germline): Uncertain significance. Review status: criteria provided, single submitter (1 of 4 stars). 2 submissions from 2 submitters: Uncertain significance (1). 1 of the submissions does not count toward it. Last evaluated 2025-08-26.

Conditions:
EFR3A-related disorder. Also called: EFR3A-related condition.

Allele frequency attached by ClinVar (database versions not stated): gnomAD exomes below 0.00001.

Submissions (2):

Ambry Genetics
Classification: Uncertain significance. Last evaluated: 2025-08-26. Review status: criteria provided, single submitter. Criteria: Ambry Variant Classification Scheme 2023. Collection method: clinical testing. Allele origin: germline.

PreventionGenetics, part of Exact Sciences
Classification: Uncertain significance for EFR3A-related condition. Last evaluated: 2024-03-01. Review status: no assertion criteria provided. Collection method: clinical testing. Allele origin: germline. Not counted in ClinVar's aggregate classification.
Comment: The EFR3A c.489G>T variant is predicted to result in the amino acid substitution p.Glu163Asp. To our knowledge, this variant has not been reported in the literature. This variant is reported in 0.024% of alleles in individuals of Latino descent in gnomAD. At this time, the clinical significance of this variant is uncertain due to the absence of conclusive functional and genetic evidence.

NM_015137.6(EFR3A):c.489G>T (p.Glu163Asp)

Gene: EFR3A (EFR3 homolog A; plus strand). Cytogenetic location: 8q24.22.
Variant type: single nucleotide variant.
Coding change: c.489G>T on transcript NM_015137.6 (MANE Select); coding-DNA position 489, G replaced by T.
Protein change: p.Glu163Asp; replaces glutamic acid 163 with aspartic acid.
Molecular consequence: missense variant. On other transcripts: non-coding transcript variant (2).
Genome position (GRCh38, 1-based): chr8:131,953,818, G>T. VCF-style: chr8-131953818-G-T. GRCh37 (hg19) VCF-style: chr8-132966065-G-T.
Other names: c.381G>T, p.Glu127Asp (NM_001323553.2, NM_001323554.2, NM_001323555.2 and 2 more transcripts); c.489G>T, p.Glu163Asp (NM_001323558.2); c.489G>T (NM_015137.4); short protein forms E127D, E163D.
Identifiers: ClinVar variation 2634906 (VCV002634906.4), dbSNP rs1240046828, ClinGen allele CA372211011.